The following is an entry in ClinVar:

ClinVar aggregate classification (germline): Uncertain significance (1 of 4 stars; one submission).

Conditions:
Atypical hemolytic-uremic syndrome. Identifiers: Orphanet 2134, MedGen C2931788, MONDO:0016244.

Submission:

Genomenon, Inc
Classification: Uncertain significance for Atypical hemolytic-uremic syndrome. Last evaluated: 2025-10-02. Review status: criteria provided, single submitter. Criteria: Genomenon Sequence Variant Interpretation Standards. Collection method: curation. Allele origin: germline. Affected: no.
Comment: CD46 p.Pro221Ala (c.661C>G) is a missense variant that changes the amino acid at residue 221 from Proline to Alanine. This variant has been reported in the published literature (PMID:10960475). It is absent or not present at a significant frequency in gnomAD. In conclusion, we classify CD46 p.Pro221Ala (c.661C>G) as a variant of uncertain significance.

Literature cited by the submitters: PubMed 10960475.

NM_172351.3(CD46):c.661C>G (p.Pro221Ala)

Gene: CD46 (CD46 molecule; plus strand). Cytogenetic location: 1q32.2.
Variant type: single nucleotide variant.
Coding change: c.661C>G on transcript NM_172351.3 (MANE Select); coding-DNA position 661, C replaced by G.
Protein change: p.Pro221Ala; replaces proline 221 with alanine.
Molecular consequence: missense variant.
Genome position (GRCh38, 1-based): chr1:207,761,434, C>G. VCF-style: chr1-207761434-C-G. GRCh37 (hg19) VCF-style: chr1-207934779-C-G.
Other names: c.661C>G, p.Pro221Ala (NM_002389.4, NM_153826.4, NM_172350.3 and 8 more transcripts); short protein forms P221A.
Identifiers: ClinVar variation 4291171 (VCV004291171.1).